The following is an entry in ClinVar:

ClinVar aggregate classification (germline): Uncertain significance (1 of 4 stars; one submission).

Conditions:
Fanconi anemia complementation group E (FANCE). Also called: FANCE-Related Fanconi Anemia. Identifiers: Orphanet 84, MedGen C3160739, MONDO:0010953, OMIM 600901.

Submission:

Labcorp Genetics (formerly Invitae), Labcorp
Classification: Uncertain significance for Fanconi anemia complementation group E. Last evaluated: 2025-12-03. Review status: criteria provided, single submitter. Criteria: Invitae Variant Classification Sherloc (09022015). Collection method: clinical testing. Allele origin: germline.
Comment: This sequence change replaces valine, which is neutral and non-polar, with methionine, which is neutral and non-polar, at codon 362 of the FANCE protein (p.Val362Met). This variant is not present in population databases (gnomAD no frequency). This variant has not been reported in the literature in individuals affected with FANCE-related conditions. Invitae Evidence Modeling of protein sequence and biophysical properties (such as structural, functional, and spatial information, amino acid conservation, physicochemical variation, residue mobility, and thermodynamic stability) indicates that this missense variant is expected to disrupt FANCE protein function with a positive predictive value of 80%. In summary, the available evidence is currently insufficient to determine the role of this variant in disease. Therefore, it has been classified as a Variant of Uncertain Significance.

NM_021922.3(FANCE):c.1084G>A (p.Val362Met)

Gene: FANCE (FA complementation group E; plus strand). Cytogenetic location: 6p21.31.
Variant type: single nucleotide variant.
Coding change: c.1084G>A on transcript NM_021922.3 (MANE Select); coding-DNA position 1084, G replaced by A.
Protein change: p.Val362Met; replaces valine 362 with methionine.
Molecular consequence: missense variant.
Genome position (GRCh38, 1-based): chr6:35,458,411, G>A. VCF-style: chr6-35458411-G-A. GRCh37 (hg19) VCF-style: chr6-35426188-G-A.
Other names: c.1084G>A, p.Val362Met (NM_001410876.1); short protein forms V362M.
Identifiers: ClinVar variation 4772913 (VCV004772913.1).
Genomic context (GRCh38, chr6:35,458,411, plus strand): 5'-CTGCGGCTCTGCACCTGGCTGCTGGCCCTTTCACCTGATCTCAGCCTCAGCAATGCTACT[G>A]TGCTGACCAGAAGCCTCTTTCTTGGACGGGTAGGTGTATTGGGAGGTACTCAGAGTGCCA-3'
Protein context (NP_068741.1, residues 352-372): SPDLSLSNAT[Val362Met]LTRSLFLGRI